The following is an entry in ClinVar:

NM_019892.6(INPP5E):c.713G>A (p.Arg238Gln)

Gene: INPP5E (inositol polyphosphate-5-phosphatase E; minus strand). Cytogenetic location: 9q34.3.
Variant type: single nucleotide variant.
Coding change: c.713G>A on transcript NM_019892.6 (MANE Select); coding-DNA position 713, G replaced by A.
Protein change: p.Arg238Gln; replaces arginine 238 with glutamine.
Molecular consequence: missense variant.
Genome position (GRCh38, 1-based): chr9:136,438,707, C>T on the plus strand (G>A on the coding strand, the complement: INPP5E is on the minus strand). VCF-style: chr9-136438707-C-T. GRCh37 (hg19) VCF-style: chr9-139333159-C-T.
Other names: c.713G>A, p.Arg238Gln (NM_001318502.2); short protein forms R238Q.
Identifiers: ClinVar variation 1387193 (VCV001387193.6), dbSNP rs760298042, ClinGen allele CA375567879.

ClinVar aggregate classification (germline): Uncertain significance (1 of 4 stars; one submission).

Conditions:
Joubert syndrome. Also called: CEREBELLOPARENCHYMAL DISORDER IV; JOUBERT-BOLTSHAUSER SYNDROME; Familial aplasia of the vermis. Identifiers: Orphanet 475, MedGen C5979921, MONDO:0018772.

Allele frequency attached by ClinVar (database versions not stated): TOPMed 0.00001.
gnomAD v4.1: 2 of 1,604,578 alleles (0.00012%); highest among the groups gnomAD compares: Admixed American, 0.0034%; no homozygotes.

Submission:

Labcorp Genetics (formerly Invitae), Labcorp
Classification: Uncertain significance for Joubert syndrome. Last evaluated: 2022-03-04. Review status: criteria provided, single submitter. Criteria: Invitae Variant Classification Sherloc (09022015). Collection method: clinical testing. Allele origin: germline.
Comment: In summary, the available evidence is currently insufficient to determine the role of this variant in disease. Therefore, it has been classified as a Variant of Uncertain Significance. Advanced modeling of protein sequence and biophysical properties (such as structural, functional, and spatial information, amino acid conservation, physicochemical variation, residue mobility, and thermodynamic stability) performed at Invitae indicates that this missense variant is not expected to disrupt INPP5E protein function. This variant has not been reported in the literature in individuals affected with INPP5E-related conditions. This variant is present in population databases (no rsID available, gnomAD 0.003%). This sequence change replaces arginine, which is basic and polar, with glutamine, which is neutral and polar, at codon 238 of the INPP5E protein (p.Arg238Gln).